The following is an entry in ClinVar:

ClinVar aggregate classification (germline): Likely pathogenic (1 of 4 stars; one submission).

Conditions:
Cutis laxa, autosomal dominant 3 (ADCL3). Identifiers: Orphanet 90348, MedGen C4225268, MONDO:0014706, OMIM 616603.
Autosomal dominant spastic paraplegia type 9. Identifiers: MedGen C1832669, MONDO:0015091.
de Barsy syndrome. Also called: Cutis laxa-corneal clouding-oligophrenia syndrome. Identifiers: Orphanet 2962, MedGen C0268354, MONDO:0017569.

Submissions (2):

Labcorp Genetics (formerly Invitae), Labcorp
Classification: Likely pathogenic for Autosomal dominant spastic paraplegia type 9; de Barsy syndrome; Cutis laxa, autosomal dominant 3. Last evaluated: 2022-06-26. Review status: criteria provided, single submitter. Criteria: Invitae Variant Classification Sherloc (09022015). Collection method: clinical testing. Allele origin: germline.
Comment: In summary, the currently available evidence indicates that the variant is pathogenic, but additional data are needed to prove that conclusively. Therefore, this variant has been classified as Likely Pathogenic. Algorithms developed to predict the effect of sequence changes on RNA splicing suggest that this variant may disrupt the consensus splice site. This variant has not been reported in the literature in individuals affected with ALDH18A1-related conditions. This variant is not present in population databases (gnomAD no frequency). This sequence change affects a donor splice site in intron 10 of the ALDH18A1 gene. It is expected to disrupt RNA splicing. Variants that disrupt the donor or acceptor splice site typically lead to a loss of protein function (PMID: 16199547), and loss-of-function variants in ALDH18A1 are known to be pathogenic (PMID: 21739576, 24913064, 28567303, 28604674, 29915212).

Dr. Peter K. Rogan Lab, Western University
No classification provided (evidence only). Condition: Thyroid cancer, nonmedullary, 1. Review status: no classification provided. Collection method: in vitro. Allele origin: not applicable. Functional consequence: retained intron. Not counted in ClinVar's aggregate classification.

Literature cited by the submitters: PubMed 16199547 (cited by Labcorp Genetics (formerly Invitae), Labcorp); PubMed 21739576 (cited by Labcorp Genetics (formerly Invitae), Labcorp); PubMed 24913064 (cited by Labcorp Genetics (formerly Invitae), Labcorp); PubMed 28567303 (cited by Labcorp Genetics (formerly Invitae), Labcorp); PubMed 28604674 (cited by Labcorp Genetics (formerly Invitae), Labcorp); PubMed 29915212 (cited by Labcorp Genetics (formerly Invitae), Labcorp).

NM_002860.4(ALDH18A1):c.1152+1G>A

Gene: ALDH18A1 (aldehyde dehydrogenase 18 family member A1; minus strand). Cytogenetic location: 10q24.1.
Variant type: single nucleotide variant.
Coding change: c.1152+1G>A on transcript NM_002860.4 (MANE Select); the canonical splice donor site of the intron after coding-DNA position 1152, G replaced by A.
Molecular consequence: splice donor variant.
Genome position (GRCh38, 1-based): chr10:95,626,702, C>T on the plus strand (G>A on the coding strand, the complement: ALDH18A1 is on the minus strand). VCF-style: chr10-95626702-C-T. GRCh37 (hg19) VCF-style: chr10-97386459-C-T.
Other names: c.516+1G>A (NM_001323419.2); c.819+1G>A (NM_001323412.2, NM_001323416.2); c.1047+1G>A (NM_001323417.2); c.1146+1G>A (NM_001017423.2, NM_001323415.2); c.813+1G>A (NM_001323418.2); c.1152+1G>A (NM_001323413.2, NM_001323414.2).
Identifiers: ClinVar variation 1995401 (VCV001995401.5), dbSNP rs1055913716, ClinGen allele CA211793972.